The following is an entry in ClinVar:

NC_000003.11:g.(?_53756321)_(53845433_?)dup

Gene: CACNA1D (calcium voltage-gated channel subunit alpha1 D; plus strand). Cytogenetic location: 3p21.1.
Variant type: Duplication.
Identifiers: ClinVar variation 3246957 (VCV003246957.1).

ClinVar aggregate classification (germline): Uncertain significance (1 of 4 stars; one submission).

Submission:

Labcorp Genetics (formerly Invitae), Labcorp
Classification: Uncertain significance. Last evaluated: 2023-04-21. Review status: criteria provided, single submitter. Criteria: Invitae Variant Classification Sherloc (09022015). Collection method: clinical testing. Allele origin: unknown.
Comment: In summary, the available evidence is currently insufficient to determine the role of this variant in disease. Therefore, it has been classified as a Variant of Uncertain Significance. This variant has not been reported in the literature in individuals affected with CACNA1D-related conditions. This variant results in a copy number gain of the genomic region encompassing exon(s) 13-49 of the CACNA1D gene. This region includes the termination codon of the gene. This copy number gain extends beyond the assayed region for this gene and therefore may encompass additional genes. As the precise location of this event is unknown, it may be in tandem or it may be located elsewhere in the genome.